The following is an entry in ClinVar:

NM_000321.3(RB1):c.644C>T (p.Ser215Leu)

Gene: RB1 (RB transcriptional corepressor 1; plus strand). Cytogenetic location: 13q14.2.
Variant type: single nucleotide variant.
Coding change: c.644C>T on transcript NM_000321.3 (MANE Select); coding-DNA position 644, C replaced by T.
Protein change: p.Ser215Leu; replaces serine 215 with leucine.
Molecular consequence: missense variant.
Genome position (GRCh38, 1-based): chr13:48,360,053, C>T. VCF-style: chr13-48360053-C-T. GRCh37 (hg19) VCF-style: chr13-48934189-C-T.
Other names: short protein forms S215L.
Identifiers: ClinVar variation 1038511 (VCV001038511.13), dbSNP rs768305224, ClinGen allele CA039154.

ClinVar aggregate classification (germline): Uncertain significance. Review status: criteria provided, multiple submitters, no conflicts (2 of 4 stars). 4 submissions from 4 submitters: Uncertain significance (4). Last evaluated 2026-08-19.

Conditions:
Small cell lung carcinoma. Also called: Lung oat cell carcinoma; Small cell lung cancer; SMALL CELL CANCER OF THE LUNG, SOMATIC. Identifiers: Orphanet 70573, MedGen C0149925, MeSH D055752, MONDO:0008433, OMIM 182280, HP:0030357.
Retinoblastoma (RB1). Also called: RETINOBLASTOMA, SOMATIC. Identifiers: Orphanet 790, MedGen C0035335, MeSH D012175, MONDO:0008380, OMIM 180200, HP:0009919. Disease mechanism: loss of function. Inheritance: Both sporadic and heritable forms are tested..
Bone osteosarcoma. Also called: Osteosarcoma, somatic. Identifiers: Orphanet 668, MedGen C0585442, MONDO:0002629, OMIM 259500.
Malignant tumor of urinary bladder. Also called: Bladder cancer; Urinary bladder cancer; Urinary Bladder Neoplasms. Identifiers: MedGen C0005684, MONDO:0001187, OMIM 109800.
Hereditary cancer-predisposing syndrome. Also called: Tumor predisposition; Hereditary Cancer Syndrome; Hereditary neoplastic syndrome; Neoplastic Syndromes, Hereditary. Identifiers: Orphanet 140162, MedGen C0027672, MeSH D009386, MONDO:0015356.

Allele frequency attached by ClinVar (database versions not stated): gnomAD exomes 0.00001 and below 0.00001; ExAC 0.00001.
gnomAD v4.1: 9 of 1,612,326 alleles (0.00056%); highest among the groups gnomAD compares: Non-Finnish European, 0.00076%; no homozygotes.

Submissions (4):

Ambry Genetics
Classification: Uncertain significance for Hereditary cancer-predisposing syndrome. Last evaluated: 2026-08-19. Review status: criteria provided, single submitter. Criteria: Ambry Variant Classification Scheme 2023. Collection method: clinical testing. Allele origin: germline.
Comment: The p.S215L variant (also known as c.644C>T), located in coding exon 7 of the RB1 gene, results from a C to T substitution at nucleotide position 644. The serine at codon 215 is replaced by leucine, an amino acid with dissimilar properties. This amino acid position is highly conserved in available vertebrate species. In addition, this alteration is predicted to be deleterious by in silico analysis. Based on the available evidence, the clinical significance of this variant remains unclear.

Labcorp Genetics (formerly Invitae), Labcorp
Classification: Uncertain significance for Retinoblastoma. Last evaluated: 2025-09-22. Review status: criteria provided, single submitter. Criteria: Invitae Variant Classification Sherloc (09022015). Collection method: clinical testing. Allele origin: germline.
Comment: This sequence change replaces serine, which is neutral and polar, with leucine, which is neutral and non-polar, at codon 215 of the RB1 protein (p.Ser215Leu). This variant is present in population databases (rs768305224, gnomAD 0.0009%). This variant has not been reported in the literature in individuals affected with RB1-related conditions. ClinVar contains an entry for this variant (Variation ID: 1038511). Invitae Evidence Modeling of protein sequence and biophysical properties (such as structural, functional, and spatial information, amino acid conservation, physicochemical variation, residue mobility, and thermodynamic stability) indicates that this missense variant is not expected to disrupt RB1 protein function with a negative predictive value of 80%. In summary, the available evidence is currently insufficient to determine the role of this variant in disease. Therefore, it has been classified as a Variant of Uncertain Significance.

Blueprint Genetics
Classification: Uncertain significance. Last evaluated: 2024-11-26. Review status: criteria provided, single submitter. Criteria: ACMG Guidelines, 2015. Collection method: clinical testing. Allele origin: germline.

Fulgent Genetics
Classification: Uncertain significance for Malignant tumor of urinary bladder; Retinoblastoma; Small cell lung carcinoma; Bone osteosarcoma. Last evaluated: 2024-01-10. Review status: criteria provided, single submitter. Criteria: ACMG Guidelines, 2015. Collection method: clinical testing. Allele origin: germline.